The following is an entry in ClinVar:

NM_000297.4(PKD2):c.2358+6T>C

Gene: PKD2 (polycystin 2, transient receptor potential cation channel; plus strand). Cytogenetic location: 4q22.1.
Variant type: single nucleotide variant.
Coding change: c.2358+6T>C on transcript NM_000297.4 (MANE Select); 6 bases into the intron after coding-DNA position 2358, T replaced by C.
Molecular consequence: intron variant.
Genome position (GRCh38, 1-based): chr4:88,065,885, T>C. VCF-style: chr4-88065885-T-C. GRCh37 (hg19) VCF-style: chr4-88987037-T-C.
Identifiers: ClinVar variation 2086342 (VCV002086342.4), dbSNP rs1560626722, ClinGen allele CA552870144.

ClinVar aggregate classification (germline): Uncertain significance (1 of 4 stars; one submission).

Conditions:
Autosomal dominant polycystic kidney disease. Identifiers: Orphanet 730, MedGen C0085413, MONDO:0004691.

gnomAD v4.1: 3 of 1,532,788 alleles (0.0002%); highest among the groups gnomAD compares: Admixed American, 0.005%; no homozygotes.

Submission:

Labcorp Genetics (formerly Invitae), Labcorp
Classification: Uncertain significance for Autosomal dominant polycystic kidney disease. Last evaluated: 2024-07-17. Review status: criteria provided, single submitter. Criteria: Invitae Variant Classification Sherloc (09022015). Collection method: clinical testing. Allele origin: germline.
Comment: This sequence change falls in intron 12 of the PKD2 gene. It does not directly change the encoded amino acid sequence of the PKD2 protein. It affects a nucleotide within the consensus splice site. This variant is present in population databases (no rsID available, gnomAD 0.009%). This variant has not been reported in the literature in individuals affected with PKD2-related conditions. ClinVar contains an entry for this variant (Variation ID: 2086342). Variants that disrupt the consensus splice site are a relatively common cause of aberrant splicing (PMID: 17576681, 9536098). Algorithms developed to predict the effect of sequence changes on RNA splicing suggest that this variant may disrupt the consensus splice site. In summary, the available evidence is currently insufficient to determine the role of this variant in disease. Therefore, it has been classified as a Variant of Uncertain Significance.

Literature cited by the submitters: PubMed 17576681; PubMed 9536098.